The following is an entry in ClinVar:

ClinVar aggregate classification (germline): Uncertain significance (1 of 4 stars; one submission).

Allele frequency attached by ClinVar (database versions not stated): ExAC 0.00001; ESP Exome Variant Server 0.00008.

Submission:

Ambry Genetics
Classification: Uncertain significance. Last evaluated: 2024-02-22. Review status: criteria provided, single submitter. Criteria: Ambry Variant Classification Scheme 2023. Collection method: clinical testing. Allele origin: germline.
Comment: The p.Q1809P variant (also known as c.5426A>C), located in coding exon 5 of the ALPK2 gene, results from an A to C substitution at nucleotide position 5426. The glutamine at codon 1809 is replaced by proline, an amino acid with similar properties. This amino acid position is conserved. In addition, the in silico prediction for this alteration is inconclusive. Based on the available evidence, the clinical significance of this alteration remains unclear.

NM_052947.4(ALPK2):c.5426A>C (p.Gln1809Pro)

Gene: ALPK2 (alpha kinase 2; minus strand). Cytogenetic location: 18q21.31.
Variant type: single nucleotide variant.
Coding change: c.5426A>C on transcript NM_052947.4 (MANE Select); coding-DNA position 5426, A replaced by C.
Protein change: p.Gln1809Pro; replaces glutamine 1809 with proline.
Molecular consequence: missense variant.
Genome position (GRCh38, 1-based): chr18:58,529,166, T>G on the plus strand (A>C on the coding strand, the complement: ALPK2 is on the minus strand). VCF-style: chr18-58529166-T-G. GRCh37 (hg19) VCF-style: chr18-56196398-T-G.
Other names: short protein forms Q1809P.
Identifiers: ClinVar variation 3228798 (VCV003228798.1), dbSNP rs373707581, ClinGen allele CA8976510.